The following is an entry in ClinVar:

ClinVar aggregate classification (germline): Uncertain significance (1 of 4 stars; one submission).

Conditions:
Neurofibromatosis, type 1 (NF1). Also called: VON RECKLINGHAUSEN DISEASE; NEUROFIBROMATOSIS, TYPE I, SOMATIC; Peripheral type neurofibromatosis; Neurofibromatosis, type I. Identifiers: Orphanet 636, MedGen C0027831, MONDO:0018975, OMIM 162200. Disease mechanism: loss of function.

Submission:

Labcorp Genetics (formerly Invitae), Labcorp
Classification: Uncertain significance for Neurofibromatosis, type 1. Last evaluated: 2023-03-02. Review status: criteria provided, single submitter. Criteria: Invitae Variant Classification Sherloc (09022015). Collection method: clinical testing. Allele origin: germline.
Comment: This sequence change replaces aspartic acid, which is acidic and polar, with glutamic acid, which is acidic and polar, at codon 1445 of the NF1 protein (p.Asp1445Glu). This variant is not present in population databases (gnomAD no frequency). This variant has not been reported in the literature in individuals affected with NF1-related conditions. ClinVar contains an entry for this variant (Variation ID: 1503395). Advanced modeling of protein sequence and biophysical properties (such as structural, functional, and spatial information, amino acid conservation, physicochemical variation, residue mobility, and thermodynamic stability) performed at Invitae indicates that this missense variant is not expected to disrupt NF1 protein function. In summary, the available evidence is currently insufficient to determine the role of this variant in disease. Therefore, it has been classified as a Variant of Uncertain Significance.

NM_001042492.3(NF1):c.4398T>G (p.Asp1466Glu)

Gene: NF1 (neurofibromin 1; plus strand). Cytogenetic location: 17q11.2.
Variant type: single nucleotide variant.
Coding change: c.4398T>G on transcript NM_001042492.3 (MANE Select); coding-DNA position 4398, T replaced by G.
Protein change: p.Asp1466Glu; replaces aspartic acid 1466 with glutamic acid.
Molecular consequence: missense variant.
Genome position (GRCh38, 1-based): chr17:31,259,097, T>G. VCF-style: chr17-31259097-T-G. GRCh37 (hg19) VCF-style: chr17-29586115-T-G.
Other names: c.4335T>G, p.Asp1445Glu (NM_000267.4); short protein forms D1445E, D1466E.
Identifiers: ClinVar variation 1503395 (VCV001503395.6), dbSNP rs2151463134, ClinGen allele CA398998904.
Genomic context (GRCh38, chr17:31,259,097, plus strand): 5'-TCAGAGTATTGCCAATCATGTTCTCTTCACAAAAGAAGAACATATGCGGCCTTTCAATGA[T>G]TTTGTGAAAAGCAACTTTGATGCAGCACGCAGGTAATTTTCTTGCCACTTACTCAGTTGC-3'
Protein context (NP_001035957.1, residues 1456-1476): TKEEHMRPFN[Asp1466Glu]FVKSNFDAAR